The following is an entry in ClinVar:

NM_002850.4(PTPRS):c.4806C>T (p.Ile1602=)

Gene: PTPRS (protein tyrosine phosphatase receptor type S; minus strand). Cytogenetic location: 19p13.3.
Variant type: single nucleotide variant.
Coding change: c.4806C>T on transcript NM_002850.4 (MANE Select); coding-DNA position 4806, C replaced by T.
Protein change: p.Ile1602=; no amino-acid change (isoleucine 1602 retained).
Molecular consequence: synonymous variant.
Genome position (GRCh38, 1-based): chr19:5,212,214, G>A on the plus strand (C>T on the coding strand, the complement: PTPRS is on the minus strand). VCF-style: chr19-5212214-G-A. GRCh37 (hg19) VCF-style: chr19-5212225-G-A.
Other names: c.4740C>T, p.Ile1580= (NM_001394011.1); c.4719C>T, p.Ile1573= (NM_001394012.1); c.4680C>T, p.Ile1560= (NM_001394013.1); c.3465C>T, p.Ile1155= (NM_130853.3); c.4692C>T, p.Ile1564= (NM_130854.3); c.3477C>T, p.Ile1159= (NM_130855.3).
Identifiers: ClinVar variation 3049647 (VCV003049647.2), dbSNP rs115634987, ClinGen allele CA9108967.

ClinVar aggregate classification (germline): Likely benign (0 of 4 stars; one submission).

Conditions:
PTPRS-related disorder. Also called: PTPRS-related condition.

Allele frequency attached by ClinVar (database versions not stated): ExAC 0.00002; gnomAD exomes 0.00002; TOPMed 0.00005; gnomAD 0.00006; ESP Exome Variant Server 0.00008; 1000 Genomes Project 30x 0.00031; 1000 Genomes Project 0.00040.
gnomAD v4.1: 35 of 1,613,272 alleles (0.0022%); highest among the groups gnomAD compares: African/African-American, 0.012%; no homozygotes.

Submission:

PreventionGenetics, part of Exact Sciences
Classification: Likely benign for PTPRS-related condition. Last evaluated: 2019-07-16. Review status: no assertion criteria provided. Collection method: clinical testing. Allele origin: germline.
Comment: This variant is classified as likely benign based on ACMG/AMP sequence variant interpretation guidelines (Richards et al. 2015 PMID: 25741868, with internal and published modifications).